The following is an entry in ClinVar:

NM_000122.2(ERCC3):c.2087T>G (p.Met696Arg)

Gene: ERCC3 (ERCC excision repair 3, TFIIH core complex helicase subunit; minus strand). Cytogenetic location: 2q14.3.
Variant type: single nucleotide variant.
Coding change: c.2087T>G on transcript NM_000122.2 (MANE Select); coding-DNA position 2087, T replaced by G.
Protein change: p.Met696Arg; replaces methionine 696 with arginine.
Molecular consequence: missense variant.
Genome position (GRCh38, 1-based): chr2:127,259,426, A>C on the plus strand (T>G on the coding strand, the complement: ERCC3 is on the minus strand). VCF-style: chr2-127259426-A-C. GRCh37 (hg19) VCF-style: chr2-128017002-A-C.
Other names: c.1895T>G, p.Met632Arg (NM_001303416.2, NM_001303418.2); short protein forms M632R, M696R.
Identifiers: ClinVar variation 893870 (VCV000893870.10), dbSNP rs201806429, ClinGen allele CA1858086.

ClinVar aggregate classification (germline): Uncertain significance. Review status: criteria provided, multiple submitters, no conflicts (2 of 4 stars). 4 submissions from 4 submitters: Uncertain significance (4). Last evaluated 2022-10-05.

Conditions:
Xeroderma pigmentosum group B. Also called: XP, GROUP B; XPB/CS; XERODERMA PIGMENTOSUM B/COCKAYNE SYNDROME; ERCC3-Related Xeroderma Pigmentosum. Identifiers: MedGen C0268136, MONDO:0012531, OMIM 610651.
Xeroderma pigmentosum (XP). Identifiers: Orphanet 910, MedGen C0043346, MONDO:0019600.

Allele frequency attached by ClinVar (database versions not stated): ESP Exome Variant Server 0.00008; gnomAD 0.00010 and 0.00011; TOPMed 0.00011.
gnomAD v4.1: 203 of 1,613,986 alleles (0.013%); highest among the groups gnomAD compares: Non-Finnish European, 0.015%; no homozygotes.

Submissions (4):

Labcorp Genetics (formerly Invitae), Labcorp
Classification: Uncertain significance. Last evaluated: 2022-10-05. Review status: criteria provided, single submitter. Criteria: Invitae Variant Classification Sherloc (09022015). Collection method: clinical testing. Allele origin: germline.
Comment: This sequence change replaces methionine, which is neutral and non-polar, with arginine, which is basic and polar, at codon 696 of the ERCC3 protein (p.Met696Arg). This variant is present in population databases (rs201806429, gnomAD 0.02%). This variant has not been reported in the literature in individuals affected with ERCC3-related conditions. ClinVar contains an entry for this variant (Variation ID: 893870). Advanced modeling of protein sequence and biophysical properties (such as structural, functional, and spatial information, amino acid conservation, physicochemical variation, residue mobility, and thermodynamic stability) performed at Invitae indicates that this missense variant is not expected to disrupt ERCC3 protein function. Algorithms developed to predict the effect of sequence changes on RNA splicing suggest that this variant may create or strengthen a splice site. In summary, the available evidence is currently insufficient to determine the role of this variant in disease. Therefore, it has been classified as a Variant of Uncertain Significance.

Institute for Clinical Genetics, University Hospital TU Dresden, University Hospital TU Dresden
Classification: Uncertain significance. Last evaluated: 2021-11-03. Review status: criteria provided, single submitter. Criteria: ACMG Guidelines, 2015. Collection method: clinical testing. Allele origin: germline.

Sema4
Classification: Uncertain significance for Xeroderma pigmentosum. Last evaluated: 2021-09-26. Review status: criteria provided, single submitter. Criteria: Sema4 Curation Guidelines. Collection method: curation. Allele origin: germline.
Comment: The ERCC3 c.2087T>G (p.M696R) variant has been reported in heterozygosity in at least one individual being evaluated for hereditary breast and/or ovarian cancer (PMID: 30306255). It was observed in 27/129088 chromosomes of the Non-Finnish European subpopulation, with no homozygotes, in the large and broad cohorts of the Genome Aggregation Database (PMID: 32461654). The variant has been reported in ClinVar (Variation ID 893870). Functional studies have not been performed, and in silico predictions of the variant's effect on protein function are inconclusive. The evidence is insufficient to meet ACMG/AMP criteria for classifying the variant as benign or pathogenic. Thus, the clinical significance of this variant is currently uncertain.

Illumina Laboratory Services, Illumina
Classification: Uncertain significance for Xeroderma pigmentosum group B. Last evaluated: 2017-04-28. Review status: criteria provided, single submitter. Criteria: ICSL Variant Classification Criteria 13 December 2019. Collection method: clinical testing. Allele origin: germline.

Literature cited by the submitters: PubMed 30306255 (cited by Sema4).